The following is an entry in ClinVar:

ClinVar aggregate classification (germline): Uncertain significance (1 of 4 stars; one submission).

Submission:

GeneDx
Classification: Uncertain significance. Last evaluated: 2023-03-12. Review status: criteria provided, single submitter. Criteria: GeneDx Variant Classification Process June 2021. Collection method: clinical testing. Allele origin: germline. Affected: yes.
Comment: Not observed at significant frequency in large population cohorts (gnomAD); In silico analysis supports that this missense variant has a deleterious effect on protein structure/function; Has not been previously published as pathogenic or benign to our knowledge

NM_006015.6(ARID1A):c.6166C>T (p.Leu2056Phe)

Gene: ARID1A (AT-rich interaction domain 1A; plus strand). Cytogenetic location: 1p36.11.
Variant type: single nucleotide variant.
Coding change: c.6166C>T on transcript NM_006015.6 (MANE Select); coding-DNA position 6166, C replaced by T.
Protein change: p.Leu2056Phe; replaces leucine 2056 with phenylalanine.
Molecular consequence: missense variant.
Genome position (GRCh38, 1-based): chr1:26,780,064, C>T. VCF-style: chr1-26780064-C-T. GRCh37 (hg19) VCF-style: chr1-27106555-C-T.
Other names: c.5515C>T, p.Leu1839Phe (NM_139135.4); short protein forms L1839F, L2056F.
Identifiers: ClinVar variation 2580005 (VCV002580005.1), dbSNP rs2124146429, ClinGen allele CA339190466.
Genomic context (GRCh38, chr1:26,780,064, plus strand): 5'-GAACAGGACCAAGGGGTGAGCTGCAACAAAGTGGAGTGGTGGTGGGACTGCTTGGAGATG[C>T]TCCGGGAAAACACCTTGGTTACACTCGCCAACATCTCGGGGCAGTTGGACCTATCTCCAT-3'
Protein context (NP_006006.3, residues 2046-2066): VEWWWDCLEM[Leu2056Phe]RENTLVTLAN